The following is an entry in ClinVar:

ClinVar aggregate classification (germline): Pathogenic (1 of 4 stars; one submission).

Conditions:
Nephronophthisis. Also called: Juvenile Nephronophthisis. Identifiers: Orphanet 655, MedGen C0687120, MONDO:0019005, HP:0000090.

Submission:

Labcorp Genetics (formerly Invitae), Labcorp
Classification: Pathogenic for Nephronophthisis. Last evaluated: 2018-04-09. Review status: criteria provided, single submitter. Criteria: Invitae Variant Classification Sherloc (09022015). Collection method: clinical testing. Allele origin: germline.
Comment: This sequence change creates a premature translational stop signal (p.Leu61Glnfs*17) in the INVS gene. It is expected to result in an absent or disrupted protein product. This variant is not present in population databases (ExAC no frequency). This variant has not been reported in the literature in individuals with INVS-related disease. Loss-of-function variants in INVS are known to be pathogenic (PMID: 12872123). For these reasons, this variant has been classified as Pathogenic.

Literature cited by the submitters: PubMed 12872123.

NM_014425.5(INVS):c.177_180dup (p.Leu61fs)

Gene: INVS (inversin; plus strand). Cytogenetic location: 9q31.1.
Variant type: Duplication.
Coding change: c.177_180dup on transcript NM_014425.5 (MANE Select); coding-DNA positions 177 to 180, 4 bases duplicated (CAGA; older notation c.177_180dupCAGA).
Protein change: p.Leu61fs; shifts the reading frame from leucine 61.
Molecular consequence: frameshift variant. On other transcripts: 5 prime UTR variant (2), non-coding transcript variant (1).
Genome position (GRCh38, 1-based): chr9:100,126,453-100,126,456, CAGA duplicated; duplicating any 4 consecutive bases within chr9:100,126,451-100,126,456 gives the same sequence; the c. name uses the placement nearest the transcript's 3' end. VCF-style (leftmost placement, unchanged base first): chr9-100126450-T-TGACA. GRCh37 (hg19) VCF-style: chr9-102888732-T-TGACA.
Other names: c.-200_-197dup (NM_001318381.2); c.-813_-810dup (NM_001318382.2); short protein forms L61fs.
Identifiers: ClinVar variation 568738 (VCV000568738.6), dbSNP rs1564123602, ClinGen allele CA891843203.
Genomic context (GRCh38, chr9:100,126,450, plus strand): 5'-TGCTCTTAAAGACAAAGAAGATCAGTTTGGGAGAACACCACTTATGTATTGCGTGTTGGC[T>TGACA]GACAGATTGGATTGTGCAGATGCTCTTCTGAAGGCAGGAGCAGATGTGAATAAAACTGAC-3'